The following is an entry in ClinVar:

ClinVar aggregate classification (germline): Uncertain significance (1 of 4 stars; one submission).

Conditions:
Long QT syndrome (LQTS). Identifiers: MedGen C0023976, MeSH D008133, MONDO:0002442. Disease mechanism: loss of function. Inheritance: Various modes of inheritance.

Submission:

Labcorp Genetics (formerly Invitae), Labcorp
Classification: Uncertain significance for Long QT syndrome. Last evaluated: 2023-10-17. Review status: criteria provided, single submitter. Criteria: Invitae Variant Classification Sherloc (09022015). Collection method: clinical testing. Allele origin: germline.
Comment: This sequence change replaces proline, which is neutral and non-polar, with serine, which is neutral and polar, at codon 334 of the KCNH2 protein (p.Pro334Ser). This variant is not present in population databases (gnomAD no frequency). This variant has not been reported in the literature in individuals affected with KCNH2-related conditions. An algorithm developed to predict the effect of missense changes on protein structure and function (PolyPhen-2) suggests that this variant is likely to be disruptive. In summary, the available evidence is currently insufficient to determine the role of this variant in disease. Therefore, it has been classified as a Variant of Uncertain Significance.

NM_000238.4(KCNH2):c.1000C>T (p.Pro334Ser)

Gene: KCNH2 (potassium voltage-gated channel subfamily H member 2; minus strand). Cytogenetic location: 7q36.1.
Variant type: single nucleotide variant.
Coding change: c.1000C>T on transcript NM_000238.4 (MANE Select); coding-DNA position 1000, C replaced by T.
Protein change: p.Pro334Ser; replaces proline 334 with serine.
Molecular consequence: missense variant. On other transcripts: non-coding transcript variant (1).
Genome position (GRCh38, 1-based): chr7:150,957,419, G>A on the plus strand (C>T on the coding strand, the complement: KCNH2 is on the minus strand). VCF-style: chr7-150957419-G-A. GRCh37 (hg19) VCF-style: chr7-150654507-G-A.
Other names: c.712C>T, p.Pro238Ser (NM_001406753.1, NM_001406756.1); c.823C>T, p.Pro275Ser (NM_001406755.1); c.700C>T, p.Pro234Ser (NM_001406757.1); c.1000C>T, p.Pro334Ser (NM_172056.3); short protein forms P275S, P334S, P234S, P238S.
Identifiers: ClinVar variation 2769645 (VCV002769645.3), dbSNP rs2486082166, ClinGen allele CA369861678.